The following is an entry in ClinVar:

ClinVar aggregate classification (germline): Conflicting classifications of pathogenicity. Review status: criteria provided, conflicting classifications (1 of 4 stars). 4 submissions from 4 submitters: Uncertain significance (3); Likely benign (1). Last evaluated 2025-05-05.

Conditions:
Charcot-Marie-Tooth disease axonal type 2O. Also called: Charcot-Marie-Tooth disease, axonal, type 20; Charcot-Marie-Tooth Neuropathy Type 2O; CHARCOT-MARIE-TOOTH NEUROPATHY, AXONAL, TYPE 2O; CHARCOT-MARIE-TOOTH DISEASE, AXONAL, AUTOSOMAL DOMINANT, TYPE 2O. Identifiers: Orphanet 284232, MedGen C3280220, MONDO:0013644, OMIM 614228.

Allele frequency attached by ClinVar (database versions not stated): gnomAD 0.00001; TOPMed 0.00001; gnomAD exomes 0.00002.
gnomAD v4.1: 11 of 1,614,124 alleles (0.00068%); highest among the groups gnomAD compares: Middle Eastern, 0.016%; no homozygotes.

Submissions (4):

Women's Health and Genetics/Laboratory Corporation of America, LabCorp
Classification: Uncertain significance. Last evaluated: 2025-05-05. Review status: criteria provided, single submitter. Criteria: LabCorp Variant Classification Summary - May 2015. Collection method: clinical testing. Allele origin: germline.
Comment: Variant summary: DYNC1H1 c.5578C>A (p.Gln1860Lys) results in a conservative amino acid change in the encoded protein sequence. Algorithms developed to predict the effect of missense changes on protein structure and function are either unavailable or do not agree on the potential impact of this missense change. The variant was absent in 251490 control chromosomes. The available data on variant occurrences in the general population are insufficient to allow any conclusion about variant significance. c.5578C>A has been observed in at-least one individual affected with a distal hereditary motor neuropathy and the variant was determined to be de novo (example: Bacquet_2018). These data do not allow any conclusion about variant significance. To our knowledge, no experimental evidence demonstrating an impact on protein function has been reported. The following publication have been ascertained in the context of this evaluation (PMID: 30373780). ClinVar contains an entry for this variant (Variation ID: 1308320). Based on the evidence outlined above, the variant was classified as uncertain significance.

Labcorp Genetics (formerly Invitae), Labcorp
Classification: Likely benign for Charcot-Marie-Tooth disease axonal type 2O. Last evaluated: 2024-10-27. Review status: criteria provided, single submitter. Criteria: Invitae Variant Classification Sherloc (09022015). Collection method: clinical testing. Allele origin: germline.

CeGaT Center for Human Genetics Tuebingen
Classification: Uncertain significance. Last evaluated: 2023-01-01. Review status: criteria provided, single submitter. Criteria: CeGaT Center For Human Genetics Tuebingen Variant Classification Criteria Version 2. Collection method: clinical testing. Allele origin: germline. Affected: yes. Observed: 1 variant allele.
Comment: DYNC1H1: PP2

GeneDx
Classification: Uncertain significance. Last evaluated: 2019-04-19. Review status: criteria provided, single submitter. Criteria: GeneDx Variant Classification Process June 2021. Collection method: clinical testing. Allele origin: germline. Affected: yes.
Comment: Not observed at a significant frequency in large population cohorts (Lek et al., 2016); In silico analysis, which includes protein predictors and evolutionary conservation, supports that this variant does not alter protein structure/function; This variant is associated with the following publications: (PMID: 30373780)

Literature cited by the submitters: PubMed 30373780 (cited by Women's Health and Genetics/Laboratory Corporation of America, LabCorp).

NM_001376.5(DYNC1H1):c.5578C>A (p.Gln1860Lys)

Gene: DYNC1H1 (dynein cytoplasmic 1 heavy chain 1; plus strand). Cytogenetic location: 14q32.31.
Variant type: single nucleotide variant.
Coding change: c.5578C>A on transcript NM_001376.5 (MANE Select); coding-DNA position 5578, C replaced by A.
Protein change: p.Gln1860Lys; replaces glutamine 1860 with lysine.
Molecular consequence: missense variant.
Genome position (GRCh38, 1-based): chr14:102,006,032, C>A. VCF-style: chr14-102006032-C-A. GRCh37 (hg19) VCF-style: chr14-102472369-C-A.
Other names: short protein forms Q1860K.
Identifiers: ClinVar variation 1308320 (VCV001308320.30), dbSNP rs893299206, ClinGen allele CA266998457.